The following is an entry in ClinVar:

NM_007294.4(BRCA1):c.5153-16T>G

Gene: BRCA1 (BRCA1 DNA repair associated; minus strand). Cytogenetic location: 17q21.31.
Variant type: single nucleotide variant.
Coding change: c.5153-16T>G on transcript NM_007294.4 (MANE Select); 16 bases into the intron before coding-DNA position 5153, T replaced by G.
Molecular consequence: intron variant.
Genome position (GRCh38, 1-based): chr17:43,063,389, A>C on the plus strand (T>G on the coding strand, the complement: BRCA1 is on the minus strand). VCF-style: chr17-43063389-A-C. GRCh37 (hg19) VCF-style: chr17-41215406-A-C.
Other names: c.1700-16T>G (NM_001408458.1, NM_001408461.1, NM_001408464.1 and 7 more transcripts); c.4262-16T>G (NM_001407967.1); c.4772-16T>G (NM_001407959.1); c.4886-16T>G (NM_001407931.1, NM_001407932.1, NM_001407928.1 and 4 more transcripts); c.5009-16T>G (NM_001407747.1, NM_001407745.1, NM_001407737.1 and 21 more transcripts); c.4769-16T>G (NM_001407962.1, NM_001407960.1); c.1340-16T>G (NM_001408512.1); c.1463-16T>G (NM_001408510.1); and 72 more.
Identifiers: ClinVar variation 867732 (VCV000867732.3), dbSNP rs2051876446, ClinGen allele CA916080074.
Genomic context (GRCh38, chr17:43,063,389, plus strand): 5'-TTACCTCATTCAGCATTTTTCTTTCTTTAATAGACTGGGTCACCCCTAAAGAGATCATAG[A>C]AAAGACAGGTTACATACAGCAGAAGAACGTGCTCTTTTCACGGAGATAGAGAGGTCAGCG-3'

Conditions:
Breast-ovarian cancer, familial, susceptibility to, 1 (BROVCA1). Also called: BRCA1 Hereditary Breast and Ovarian Cancer; OVARIAN CANCER, SUSCEPTIBILITY TO. Identifiers: Orphanet 145, MedGen C2676676, MONDO:0011450, OMIM 604370. Disease mechanism: loss of function.

Submission:

Brotman Baty Institute, University of Washington
No classification provided (evidence only). Condition: Breast-ovarian cancer, familial 1. Review status: no classification provided. Collection method: in vitro. Allele origin: not applicable. Functional consequence: functionally_normal.
ClinVar note: "not provided" was previously submitted as the classification for the variant. However, the classification appeared to be based only on an observation of functional data so it was converted to no classification on 2025-07-30.